The following is an entry in ClinVar:

NM_006084.5(IRF9):c.581C>T (p.Thr194Ile)

Gene: IRF9 (interferon regulatory factor 9; plus strand). Cytogenetic location: 14q12.
Variant type: single nucleotide variant.
Coding change: c.581C>T on transcript NM_006084.5 (MANE Select); coding-DNA position 581, C replaced by T.
Protein change: p.Thr194Ile; replaces threonine 194 with isoleucine.
Molecular consequence: missense variant.
Genome position (GRCh38, 1-based): chr14:24,164,066, C>T. VCF-style: chr14-24164066-C-T. GRCh37 (hg19) VCF-style: chr14-24633275-C-T.
Other names: c.581C>T, p.Thr194Ile (NM_001385400.1, NM_001385401.1, NM_001385402.1); short protein forms T194I.
Identifiers: ClinVar variation 4732328 (VCV004732328.1).
Genomic context (GRCh38, chr14:24,164,066, plus strand): 5'-TGGCCCAAGACTCCCCAGTCCCACTCTGAATGACCAGTGCCTTTGCTTCCCTTCCAGTTA[C>T]AGACACAACTGAGGCCCCCTTTCAAGGGGATCAGAGGTCCCTGGAGTTTCTGCTTCCTCC-3'
Protein context (NP_006075.3, residues 184-204): SSSSPEPQEV[Thr194Ile]DTTEAPFQGD

ClinVar aggregate classification (germline): Uncertain significance (1 of 4 stars; one submission).

gnomAD v4.1: 2 of 1,614,138 alleles (0.00012%); highest among the groups gnomAD compares: East Asian, 0.0022%; no homozygotes.

Submission:

Labcorp Genetics (formerly Invitae), Labcorp
Classification: Uncertain significance. Last evaluated: 2025-12-01. Review status: criteria provided, single submitter. Criteria: Invitae Variant Classification Sherloc (09022015). Collection method: clinical testing. Allele origin: germline.
Comment: This sequence change replaces threonine, which is neutral and polar, with isoleucine, which is neutral and non-polar, at codon 194 of the IRF9 protein (p.Thr194Ile). This variant is not present in population databases (gnomAD no frequency). This variant has not been reported in the literature in individuals affected with IRF9-related conditions. An algorithm developed to predict the effect of missense changes on protein structure and function (PolyPhen-2) suggests that this variant is likely to be tolerated. In summary, the available evidence is currently insufficient to determine the role of this variant in disease. Therefore, it has been classified as a Variant of Uncertain Significance.